The following is an entry in ClinVar:

ClinVar aggregate classification (germline): Pathogenic (1 of 4 stars; one submission).

Conditions:
Fanconi anemia complementation group A (FANCA). Also called: Fanconi anemia, group A; FANCA-Related Fanconi Anemia. Identifiers: Orphanet 84, MedGen C3469521, MONDO:0009215, OMIM 227650.

Submission:

Myriad Genetics, Inc.
Classification: Pathogenic for Fanconi anemia complementation group A. Last evaluated: 2024-01-23. Review status: criteria provided, single submitter. Criteria: Myriad Autosomal Dominant, Autosomal Recessive and X-Linked Classification Criteria (2023). Collection method: clinical testing. Allele origin: unknown.
Comment: NM_000135.2(FANCA):c.388delG(E130Rfs*8) is expected to be pathogenic in the context of Fanconi anemia complementation group A. This variant is predicted to lead to an abnormal or absent protein product due to the creation of a premature termination codon in FANCA, a gene where loss-of-function variants are known to be pathogenic. Please note: this variant was assessed in the context of healthy population screening.

NM_000135.4(FANCA):c.388del (p.Glu130fs)

Gene: FANCA (FA complementation group A; minus strand). Cytogenetic location: 16q24.3.
Variant type: Deletion.
Coding change: c.388del on transcript NM_000135.4 (MANE Select); coding-DNA position 388, one base deleted (G; older notation c.388delG).
Protein change: p.Glu130fs; shifts the reading frame from glutamic acid 130.
Molecular consequence: frameshift variant.
Genome position (GRCh38, 1-based): chr16:89,810,967, C deleted on the plus strand (G on the coding strand, the reverse complement: FANCA is on the minus strand); the first of 2 consecutive C bases (chr16:89,810,967-89,810,968); deleting either gives the same sequence. VCF-style (leftmost placement, unchanged base first): chr16-89810966-TC-T. GRCh37 (hg19) VCF-style: chr16-89877374-TC-T.
Other names: c.388del, p.Glu130fs (NM_001018112.3, NM_001286167.3, NM_001351830.2); short protein forms E130fs.
Identifiers: ClinVar variation 5012677 (VCV005012677.1).